The following is an entry in ClinVar:

ClinVar aggregate classification (germline): Likely pathogenic (1 of 4 stars; one submission).

Conditions:
RYR1-related disorder. Also called: RYR1-related condition; RYR1-related disorders. Identifiers: MedGen CN239331.

Allele frequency attached by ClinVar (database versions not stated): gnomAD exomes below 0.00001.
gnomAD v4.1: 2 of 1,613,328 alleles (0.00012%); highest among the groups gnomAD compares: Non-Finnish European, 0.00017%; no homozygotes.

Submission:

Labcorp Genetics (formerly Invitae), Labcorp
Classification: Likely pathogenic for RYR1-related disorder. Last evaluated: 2023-08-07. Review status: criteria provided, single submitter. Criteria: Invitae Variant Classification Sherloc (09022015). Collection method: clinical testing. Allele origin: germline.
Comment: This sequence change affects an acceptor splice site in intron 93 of the RYR1 gene. It is expected to disrupt RNA splicing. Variants that disrupt the donor or acceptor splice site typically lead to a loss of protein function (PMID: 16199547), and loss-of-function variants in RYR1 are known to be pathogenic (PMID: 23919265, 25960145, 28818389, 30611313). This variant is not present in population databases (gnomAD no frequency). This variant has not been reported in the literature in individuals affected with RYR1-related conditions. Algorithms developed to predict the effect of sequence changes on RNA splicing suggest that this variant may disrupt the consensus splice site. In summary, the currently available evidence indicates that the variant is pathogenic, but additional data are needed to prove that conclusively. Therefore, this variant has been classified as Likely Pathogenic.

Literature cited by the submitters: PubMed 16199547; PubMed 23919265; PubMed 25960145; PubMed 28818389; PubMed 30611313.

NM_000540.3(RYR1):c.13660-1G>A

Gene: RYR1 (ryanodine receptor 1; plus strand). Cytogenetic location: 19q13.2.
Variant type: single nucleotide variant.
Coding change: c.13660-1G>A on transcript NM_000540.3 (MANE Select); the canonical splice acceptor site of the intron before coding-DNA position 13660, G replaced by A.
Molecular consequence: splice acceptor variant.
Genome position (GRCh38, 1-based): chr19:38,570,606, G>A. VCF-style: chr19-38570606-G-A. GRCh37 (hg19) VCF-style: chr19-39061246-G-A.
Other names: c.13645-1G>A (NM_001042723.2).
Identifiers: ClinVar variation 2750906 (VCV002750906.3), dbSNP rs1973672109, ClinGen allele CA405678647.